The following is an entry in ClinVar:

NM_016120.4(RLIM):c.1544G>C (p.Arg515Thr)

Gene: RLIM (ring finger protein, LIM domain interacting; minus strand). Cytogenetic location: Xq13.2.
Variant type: single nucleotide variant.
Coding change: c.1544G>C on transcript NM_016120.4 (MANE Select); coding-DNA position 1544, G replaced by C.
Protein change: p.Arg515Thr; replaces arginine 515 with threonine.
Molecular consequence: missense variant.
Genome position (GRCh38, 1-based): chrX:74,591,771, C>G on the plus strand (G>C on the coding strand, the complement: RLIM is on the minus strand). VCF-style: chrX-74591771-C-G. GRCh37 (hg19) VCF-style: chrX-73811606-C-G.
Other names: c.1544G>C, p.Arg515Thr (NM_183353.3); short protein forms R515T.
Identifiers: ClinVar variation 5007597 (VCV005007597.2).

ClinVar aggregate classification (germline): Likely benign (1 of 4 stars; one submission).

Conditions:
Intellectual disability, X-linked 61 (TOKAS). Also called: TONNE-KALSCHEUER SYNDROME. Identifiers: MedGen C4283894, MONDO:0010506, OMIM 300978.

gnomAD v4.1: 123 of 1,209,538 alleles (0.01%); highest among the groups gnomAD compares: East Asian, 0.36%; no homozygotes.

Submission:

Juno Genomics, Hangzhou Juno Genomics, Inc
Classification: Likely benign for Intellectual disability, X-linked 61. Review status: criteria provided, single submitter. Criteria: ACMG Guidelines, 2015. Collection method: clinical testing. Allele origin: germline.
Comment: Observed in a healthy adult individual for a recessive/dominant/X-linked disorder with full penetrance.